The following is an entry in ClinVar:

NM_000540.3(RYR1):c.3928G>T (p.Ala1310Ser)

Gene: RYR1 (ryanodine receptor 1; plus strand). Cytogenetic location: 19q13.2.
Variant type: single nucleotide variant.
Coding change: c.3928G>T on transcript NM_000540.3 (MANE Select); coding-DNA position 3928, G replaced by T.
Protein change: p.Ala1310Ser; replaces alanine 1310 with serine.
Molecular consequence: missense variant.
Genome position (GRCh38, 1-based): chr19:38,473,539, G>T. VCF-style: chr19-38473539-G-T. GRCh37 (hg19) VCF-style: chr19-38964179-G-T.
Other names: c.3928G>T, p.Ala1310Ser (NM_001042723.2); short protein forms A1310S.
Identifiers: ClinVar variation 2178067 (VCV002178067.4), dbSNP rs2514146723, ClinGen allele CA405642163.

ClinVar aggregate classification (germline): Uncertain significance (1 of 4 stars; one submission).

Conditions:
RYR1-related disorder. Also called: RYR1-related condition; RYR1-related disorders. Identifiers: MedGen CN239331.

gnomAD v4.1: 2 of 1,607,716 alleles (0.00012%); highest among the groups gnomAD compares: Non-Finnish European, 0.00017%; no homozygotes.

Submission:

Labcorp Genetics (formerly Invitae), Labcorp
Classification: Uncertain significance for RYR1-related disorder. Last evaluated: 2022-02-10. Review status: criteria provided, single submitter. Criteria: Invitae Variant Classification Sherloc (09022015). Collection method: clinical testing. Allele origin: germline.
Comment: In summary, the available evidence is currently insufficient to determine the role of this variant in disease. Therefore, it has been classified as a Variant of Uncertain Significance. Advanced modeling of protein sequence and biophysical properties (such as structural, functional, and spatial information, amino acid conservation, physicochemical variation, residue mobility, and thermodynamic stability) performed at Invitae indicates that this missense variant is not expected to disrupt RYR1 protein function. This variant has not been reported in the literature in individuals affected with RYR1-related conditions. This variant is not present in population databases (gnomAD no frequency). This sequence change replaces alanine, which is neutral and non-polar, with serine, which is neutral and polar, at codon 1310 of the RYR1 protein (p.Ala1310Ser).